The following is an entry in ClinVar:

NM_002547.3(OPHN1):c.1361G>T (p.Arg454Met)

Gene: OPHN1 (oligophrenin 1; minus strand). Cytogenetic location: Xq12.
Variant type: single nucleotide variant.
Coding change: c.1361G>T on transcript NM_002547.3 (MANE Select); coding-DNA position 1361, G replaced by T.
Protein change: p.Arg454Met; replaces arginine 454 with methionine.
Molecular consequence: missense variant.
Genome position (GRCh38, 1-based): chrX:68,119,248, C>A on the plus strand (G>T on the coding strand, the complement: OPHN1 is on the minus strand). VCF-style: chrX-68119248-C-A. GRCh37 (hg19) VCF-style: chrX-67339090-C-A.
Other names: NC_000023.10:g.67339090C>A; short protein forms R454M.
Identifiers: ClinVar variation 4056692 (VCV004056692.2).
Genomic context (GRCh38, chrX:68,119,248, plus strand): 5'-AACACCCAGAGAAATTTCACCAGCTATGAAAAGCAAACTCCCAATTCAAATCAGGCATAC[C>A]TGAGGTAGAATTTCAAGGAGCTGGTGATTGTCTTAATGTCCCAGTCACTATTATGAAAAT-3'
Protein context (NP_002538.1, residues 444-464): TITSSLKFYL[Arg454Met]NLSEPVMTYR

ClinVar aggregate classification (germline): Uncertain significance (1 of 4 stars; one submission).

Conditions:
Intellectual developmental disorder, X-linked, syndromic, Billuart type. Also called: MENTAL RETARDATION, X-LINKED 60; X-linked intellectual disability-cerebellar hypoplasia syndrome. Identifiers: Orphanet 137831, MedGen C1845366, MONDO:0010337, OMIM 300486.

Submissions (2):

Laboratorio de Genetica e Diagnostico Molecular, Hospital Israelita Albert Einstein
Classification: Uncertain significance for Intellectual developmental disorder, X-linked, syndromic, Billuart type. Last evaluated: 2024-04-26. Review status: criteria provided, single submitter. Criteria: ACMG Guidelines, 2015. Collection method: clinical testing. Allele origin: germline. Affected: yes.
Comment: ACMG classification criteria: PM2 supporting, PP3 supporting

Dr. Peter K. Rogan Lab, Western University
No classification provided (evidence only). Condition: Thyroid cancer, nonmedullary, 1. Review status: no classification provided. Collection method: in vitro. Allele origin: not applicable. Functional consequence: retained intron. Not counted in ClinVar's aggregate classification.